The following is an entry in ClinVar:

NM_004625.4(WNT7A):c.998A>G (p.Tyr333Cys)

Gene: WNT7A (Wnt family member 7A; minus strand). Cytogenetic location: 3p25.1.
Variant type: single nucleotide variant.
Coding change: c.998A>G on transcript NM_004625.4 (MANE Select); coding-DNA position 998, A replaced by G.
Protein change: p.Tyr333Cys; replaces tyrosine 333 with cysteine.
Molecular consequence: missense variant.
Genome position (GRCh38, 1-based): chr3:13,818,996, T>C on the plus strand (A>G on the coding strand, the complement: WNT7A is on the minus strand). VCF-style: chr3-13818996-T-C. GRCh37 (hg19) VCF-style: chr3-13860493-T-C.
Other names: short protein forms Y333C.
Identifiers: ClinVar variation 3698390 (VCV003698390.2).

ClinVar aggregate classification (germline): Uncertain significance (1 of 4 stars; one submission).

gnomAD v4.1: 3 of 1,609,208 alleles (0.00019%); highest among the groups gnomAD compares: Admixed American, 0.0033%; no homozygotes.

Submission:

Labcorp Genetics (formerly Invitae), Labcorp
Classification: Uncertain significance. Last evaluated: 2024-10-22. Review status: criteria provided, single submitter. Criteria: Invitae Variant Classification Sherloc (09022015). Collection method: clinical testing. Allele origin: germline.
Comment: This sequence change replaces tyrosine, which is neutral and polar, with cysteine, which is neutral and slightly polar, at codon 333 of the WNT7A protein (p.Tyr333Cys). This variant is not present in population databases (gnomAD no frequency). This variant has not been reported in the literature in individuals affected with WNT7A-related conditions. Invitae Evidence Modeling of protein sequence and biophysical properties (such as structural, functional, and spatial information, amino acid conservation, physicochemical variation, residue mobility, and thermodynamic stability) indicates that this missense variant is expected to disrupt WNT7A protein function with a positive predictive value of 80%. In summary, the available evidence is currently insufficient to determine the role of this variant in disease. Therefore, it has been classified as a Variant of Uncertain Significance.